The following is an entry in ClinVar:

NM_001134831.2(AHI1):c.1860T>C (p.Asn620=)

Gene: AHI1 (Abelson helper integration site 1; minus strand). Cytogenetic location: 6q23.3.
Variant type: single nucleotide variant.
Coding change: c.1860T>C on transcript NM_001134831.2 (MANE Select); coding-DNA position 1860, T replaced by C.
Protein change: p.Asn620=; no amino-acid change (asparagine 620 retained).
Molecular consequence: synonymous variant.
Genome position (GRCh38, 1-based): chr6:135,442,634, A>G on the plus strand (T>C on the coding strand, the complement: AHI1 is on the minus strand). VCF-style: chr6-135442634-A-G. GRCh37 (hg19) VCF-style: chr6-135763772-A-G.
Other names: c.1860T>C (NM_017651.4); c.1860T>C, p.Asn620= (NM_001134830.2, NM_001134832.2, NM_001350503.2 and 2 more transcripts).
Identifiers: ClinVar variation 2829746 (VCV002829746.4), dbSNP rs770425188, ClinGen allele CA4012491.

ClinVar aggregate classification (germline): Likely benign. Review status: criteria provided, multiple submitters, no conflicts (2 of 4 stars). 2 submissions from 2 submitters: Likely benign (2). Last evaluated 2026-07-20.

Conditions:
Joubert syndrome. Also called: JOUBERT-BOLTSHAUSER SYNDROME; Familial aplasia of the vermis. Identifiers: Orphanet 475, MedGen C5979921, MONDO:0018772.
AHI1-related disorder. Also called: AHI1-related condition.

Allele frequency attached by ClinVar (database versions not stated): gnomAD exomes below 0.00001; ExAC 0.00001; gnomAD 0.00001.
gnomAD v4.1: 4 of 1,609,896 alleles (0.00025%); highest among the groups gnomAD compares: South Asian, 0.0044%; no homozygotes.

Submissions (2):

PreventionGenetics, part of Exact Sciences
Classification: Likely benign for AHI1-related condition. Last evaluated: 2026-07-20. Review status: criteria provided, single submitter. Criteria: ACMG Guidelines, 2015. Collection method: clinical testing. Allele origin: germline.
Comment: This variant is classified as likely benign based on ACMG/AMP sequence variant interpretation guidelines (Richards et al. 2015 PMID: 25741868, with internal and published modifications).

Labcorp Genetics (formerly Invitae), Labcorp
Classification: Likely benign for Joubert syndrome. Last evaluated: 2023-01-17. Review status: criteria provided, single submitter. Criteria: Invitae Variant Classification Sherloc (09022015). Collection method: clinical testing. Allele origin: germline.